The following is an entry in ClinVar:

NM_003803.4(MYOM1):c.4509_4512del (p.Asp1503fs)

Gene: MYOM1 (myomesin 1; minus strand). Cytogenetic location: 18p11.31.
Variant type: Microsatellite.
Coding change: c.4509_4512del on transcript NM_003803.4 (MANE Select); coding-DNA positions 4509 to 4512, 4 bases deleted (CAGA; older notation c.4509_4512delCAGA).
Protein change: p.Asp1503fs; shifts the reading frame from aspartic acid 1503.
Molecular consequence: frameshift variant.
Genome position (GRCh38, 1-based): chr18:3,079,315-3,079,318, TCTG deleted on the plus strand (CAGA on the coding strand, the reverse complement: MYOM1 is on the minus strand); deleting any 4 consecutive bases within chr18:3,079,315-3,079,322 gives the same sequence; the c. name uses the placement nearest the transcript's 3' end. VCF-style (leftmost placement, unchanged base first): chr18-3079314-CTCTG-C. GRCh37 (hg19) VCF-style: chr18-3079312-CTCTG-C.
Other names: c.4221_4224del, p.Asp1407fs (NM_019856.2); short protein forms D1407fs, D1503fs.
Identifiers: ClinVar variation 941065 (VCV000941065.7), dbSNP rs1473638124, ClinGen allele CA628483019.

ClinVar aggregate classification (germline): Uncertain significance (1 of 4 stars; one submission).

Conditions:
Hypertrophic cardiomyopathy. Also called: HYPERTROPHIC MYOCARDIOPATHY. Identifiers: Orphanet 217569, MedGen C0007194, MeSH D002312, MONDO:0005045, HP:0001639.

Submission:

Labcorp Genetics (formerly Invitae), Labcorp
Classification: Uncertain significance for Hypertrophic cardiomyopathy. Last evaluated: 2025-04-09. Review status: criteria provided, single submitter. Criteria: Invitae Variant Classification Sherloc (09022015). Collection method: clinical testing. Allele origin: germline.
Comment: This sequence change creates a premature translational stop signal (p.Asp1503Glufs*58) in the MYOM1 gene. It is expected to result in an absent or disrupted protein product. However, the current clinical and genetic evidence is not sufficient to establish whether loss-of-function variants in MYOM1 cause disease. This variant is present in population databases (no rsID available, gnomAD 0.006%). This variant has not been reported in the literature in individuals affected with MYOM1-related conditions. ClinVar contains an entry for this variant (Variation ID: 941065). In summary, the available evidence is currently insufficient to determine the role of this variant in disease. Therefore, it has been classified as a Variant of Uncertain Significance.